The following is an entry in ClinVar:

ClinVar aggregate classification (germline): Uncertain significance (1 of 4 stars; one submission).

Conditions:
Seizures, benign familial infantile, 3 (BFIS3). Also called: Familial neonatal seizures; CONVULSIONS, BENIGN FAMILIAL INFANTILE, 3. Identifiers: Orphanet 140927, Orphanet 306, MedGen C1843140, MONDO:0011904, OMIM 607745.
Developmental and epileptic encephalopathy, 11 (DEE11). Also called: Early infantile epileptic encephalopathy 11. Identifiers: Orphanet 1934, MedGen C3150987, MONDO:0013388, OMIM 613721.

Submission:

Labcorp Genetics (formerly Invitae), Labcorp
Classification: Uncertain significance for Seizures, benign familial infantile, 3; Developmental and epileptic encephalopathy, 11. Last evaluated: 2022-03-22. Review status: criteria provided, single submitter. Criteria: Invitae Variant Classification Sherloc (09022015). Collection method: clinical testing. Allele origin: germline.
Comment: In summary, the available evidence is currently insufficient to determine the role of this variant in disease. Therefore, it has been classified as a Variant of Uncertain Significance. Algorithms developed to predict the effect of missense changes on protein structure and function are either unavailable or do not agree on the potential impact of this missense change (SIFT: "Deleterious"; PolyPhen-2: "Benign"; Align-GVGD: "Class C35"). This variant has not been reported in the literature in individuals affected with SCN2A-related conditions. This variant is not present in population databases (gnomAD no frequency). This sequence change replaces aspartic acid, which is acidic and polar, with glutamic acid, which is acidic and polar, at codon 1964 of the SCN2A protein (p.Asp1964Glu).

NM_001040142.2(SCN2A):c.5892T>A (p.Asp1964Glu)

Gene: SCN2A (sodium voltage-gated channel alpha subunit 2; plus strand). Cytogenetic location: 2q24.3.
Variant type: single nucleotide variant.
Coding change: c.5892T>A on transcript NM_001040142.2 (MANE Select); coding-DNA position 5892, T replaced by A.
Protein change: p.Asp1964Glu; replaces aspartic acid 1964 with glutamic acid.
Molecular consequence: missense variant.
Genome position (GRCh38, 1-based): chr2:165,389,698, T>A. VCF-style: chr2-165389698-T-A. GRCh37 (hg19) VCF-style: chr2-166246208-T-A.
Other names: c.5892T>A, p.Asp1964Glu (NM_001040143.2, NM_001371246.1, NM_001371247.1 and 1 more transcripts); short protein forms D1964E.
Identifiers: ClinVar variation 1359646 (VCV001359646.6), dbSNP rs2105404198, ClinGen allele CA349040789.